The following is an entry in ClinVar:

NM_004168.4(SDHA):c.621+9G>T

Gene: SDHA (succinate dehydrogenase complex flavoprotein subunit A; plus strand). Cytogenetic location: 5p15.33.
Variant type: single nucleotide variant.
Coding change: c.621+9G>T on transcript NM_004168.4 (MANE Select); 9 bases into the intron after coding-DNA position 621, G replaced by T.
Molecular consequence: intron variant.
Genome position (GRCh38, 1-based): chr5:226,056, G>T. VCF-style: chr5-226056-G-T. GRCh37 (hg19) VCF-style: chr5-226171-G-T.
Other names: c.621+9G>T (NM_001330758.2); c.477+9G>T (NM_001294332.2).
Identifiers: ClinVar variation 3904368 (VCV003904368.2).
Genomic context (GRCh38, chr5:226,056, plus strand): 5'-CTGTGTGGCTGATCGGACTGGCCACTCGCTATTGCACACCTTATATGGAAGGGTAAGGCC[G>T]CCCCCGTCCACCTGAGACAGGACACGTAGTGCTGGGGCTTATGGTGACAGTGGGGAATGG-3'

ClinVar aggregate classification (germline): Likely benign. Review status: criteria provided, multiple submitters, no conflicts (2 of 4 stars). 2 submissions from 2 submitters: Likely benign (2). Last evaluated 2025-10-22.

Conditions:
Pheochromocytoma/paraganglioma syndrome 5. Also called: Paragangliomas 5; SDHA-Related Hereditary Paraganglioma-Pheochromocytoma Syndrome. Identifiers: Orphanet 29072, MedGen C3279992, MONDO:0013602, OMIM 614165.
Mitochondrial complex II deficiency, nuclear type 1. Also called: SUCCINATE CoQ REDUCTASE DEFICIENCY. Identifiers: Orphanet 3208, MedGen C5700310, MONDO:0100294, OMIM 252011.

gnomAD v4.1: 1 of 1,614,018 alleles (0.000062%); highest among the groups gnomAD compares: Non-Finnish European, 0.000085%; no homozygotes.

Submissions (2):

Labcorp Genetics (formerly Invitae), Labcorp
Classification: Likely benign for Pheochromocytoma/paraganglioma syndrome 5; Mitochondrial complex II deficiency, nuclear type 1. Last evaluated: 2025-10-22. Review status: criteria provided, single submitter. Criteria: Invitae Variant Classification Sherloc (09022015). Collection method: clinical testing. Allele origin: germline.

Myriad Genetics, Inc.
Classification: Likely benign for Pheochromocytoma/paraganglioma syndrome 5. Last evaluated: 2025-03-03. Review status: criteria provided, single submitter. Criteria: Myriad Autosomal Dominant, Autosomal Recessive and X-Linked Classification Criteria (2023). Collection method: clinical testing. Allele origin: unknown.
Comment: This variant is considered likely benign. This variant is intronic and is not expected to impact mRNA splicing.